The following is an entry in ClinVar:

ClinVar aggregate classification (germline): Uncertain significance (1 of 4 stars; one submission).

Conditions:
Insulin-dependent diabetes mellitus secretory diarrhea syndrome (IPEX). Also called: Immune dysregulation-polyendocrinopathy-enteropathy-X-linked syndrome; IMMUNODEFICIENCY, POLYENDOCRINOPATHY, AND ENTEROPATHY, X-LINKED; IPEX and IPEX-Like; DIABETES MELLITUS, CONGENITAL INSULIN-DEPENDENT, WITH FATAL SECRETORY DIARRHEA; DIARRHEA, POLYENDOCRINOPATHY, FATAL INFECTION SYNDROME, X-LINKED; ENTEROPATHY, AUTOIMMUNE, WITH HEMOLYTIC ANEMIA AND POLYENDOCRINOPATHY. Identifiers: Orphanet 37042, MedGen C0342288, MONDO:0010580, OMIM 304790. Disease mechanism: loss of function.

Submission:

Labcorp Genetics (formerly Invitae), Labcorp
Classification: Uncertain significance for Insulin-dependent diabetes mellitus secretory diarrhea syndrome. Last evaluated: 2023-05-22. Review status: criteria provided, single submitter. Criteria: Invitae Variant Classification Sherloc (09022015). Collection method: clinical testing. Allele origin: germline.
Comment: This sequence change replaces proline, which is neutral and non-polar, with leucine, which is neutral and non-polar, at codon 290 of the FOXP3 protein (p.Pro290Leu). This variant is not present in population databases (gnomAD no frequency). This variant has not been reported in the literature in individuals affected with FOXP3-related conditions. ClinVar contains an entry for this variant (Variation ID: 1929294). Advanced modeling of protein sequence and biophysical properties (such as structural, functional, and spatial information, amino acid conservation, physicochemical variation, residue mobility, and thermodynamic stability) performed at Invitae indicates that this missense variant is not expected to disrupt FOXP3 protein function. In summary, the available evidence is currently insufficient to determine the role of this variant in disease. Therefore, it has been classified as a Variant of Uncertain Significance.

NM_014009.4(FOXP3):c.869C>T (p.Pro290Leu)

Gene: FOXP3 (forkhead box P3; minus strand). Cytogenetic location: Xp11.23.
Variant type: single nucleotide variant.
Coding change: c.869C>T on transcript NM_014009.4 (MANE Select); coding-DNA position 869, C replaced by T.
Protein change: p.Pro290Leu; replaces proline 290 with leucine.
Molecular consequence: missense variant.
Genome position (GRCh38, 1-based): chrX:49,254,015, G>A on the plus strand (C>T on the coding strand, the complement: FOXP3 is on the minus strand). VCF-style: chrX-49254015-G-A. GRCh37 (hg19) VCF-style: chrX-49110476-G-A.
Other names: c.764C>T, p.Pro255Leu (NM_001114377.2); short protein forms P255L, P290L.
Identifiers: ClinVar variation 1929294 (VCV001929294.5), dbSNP rs782458039, ClinGen allele CA412950729.